The following is an entry in ClinVar:

ClinVar aggregate classification (germline): Uncertain significance (1 of 4 stars; one submission).

gnomAD v4.1: 20 of 1,613,890 alleles (0.0012%); highest among the groups gnomAD compares: South Asian, 0.022%; 1 homozygote.

Submission:

Labcorp Genetics (formerly Invitae), Labcorp
Classification: Uncertain significance. Last evaluated: 2024-06-17. Review status: criteria provided, single submitter. Criteria: Invitae Variant Classification Sherloc (09022015). Collection method: clinical testing. Allele origin: germline.
Comment: This sequence change replaces proline, which is neutral and non-polar, with leucine, which is neutral and non-polar, at codon 901 of the COL4A2 protein (p.Pro901Leu). This variant is present in population databases (rs759501342, gnomAD 0.02%). This variant has not been reported in the literature in individuals affected with COL4A2-related conditions. Advanced modeling of protein sequence and biophysical properties (such as structural, functional, and spatial information, amino acid conservation, physicochemical variation, residue mobility, and thermodynamic stability) performed at Invitae indicates that this missense variant is not expected to disrupt COL4A2 protein function with a negative predictive value of 95%. In summary, the available evidence is currently insufficient to determine the role of this variant in disease. Therefore, it has been classified as a Variant of Uncertain Significance.

NM_001846.4(COL4A2):c.2702C>T (p.Pro901Leu)

Gene: COL4A2 (collagen type IV alpha 2 chain; plus strand). Cytogenetic location: 13q34.
Variant type: single nucleotide variant.
Coding change: c.2702C>T on transcript NM_001846.4 (MANE Select); coding-DNA position 2702, C replaced by T.
Protein change: p.Pro901Leu; replaces proline 901 with leucine.
Molecular consequence: missense variant.
Genome position (GRCh38, 1-based): chr13:110,480,334, C>T. VCF-style: chr13-110480334-C-T. GRCh37 (hg19) VCF-style: chr13-111132681-C-T.
Other names: short protein forms P901L.
Identifiers: ClinVar variation 3616924 (VCV003616924.2).